The following is an entry in ClinVar:

ClinVar aggregate classification (germline): Pathogenic/Likely pathogenic. Review status: criteria provided, multiple submitters, no conflicts (2 of 4 stars). 2 submissions from 2 submitters: Pathogenic (1); Likely pathogenic (1). Last evaluated 2022-08-05.

Conditions:
Breast-ovarian cancer, familial, susceptibility to, 3. Also called: RAD51C-Related Breast/Ovarian Cancer. Identifiers: Orphanet 145, MedGen C3150659, MONDO:0013253, OMIM 613399.
Fanconi anemia complementation group O. Also called: RAD51C-Related Fanconi Anemia. Identifiers: Orphanet 84, MedGen C3150653, MONDO:0013248, OMIM 613390.

Submissions (2):

Labcorp Genetics (formerly Invitae), Labcorp
Classification: Pathogenic for Fanconi anemia complementation group O. Last evaluated: 2022-08-05. Review status: criteria provided, single submitter. Criteria: Invitae Variant Classification Sherloc (09022015). Collection method: clinical testing. Allele origin: germline.
Comment: This variant is not present in population databases (gnomAD no frequency). This variant has not been reported in the literature in individuals affected with RAD51C-related conditions. For these reasons, this variant has been classified as Pathogenic. This sequence change creates a premature translational stop signal (p.Ser206Ilefs*32) in the RAD51C gene. It is expected to result in an absent or disrupted protein product. Loss-of-function variants in RAD51C are known to be pathogenic (PMID: 20400964, 21990120, 24800917).

Baylor Genetics
Classification: Likely pathogenic for Breast-ovarian cancer, familial, susceptibility to, 3. Last evaluated: 2021-12-11. Review status: criteria provided, single submitter. Criteria: ACMG Guidelines, 2015. Collection method: clinical testing. Allele origin: unknown.

Literature cited by the submitters: PubMed 20400964 (cited by Labcorp Genetics (formerly Invitae), Labcorp); PubMed 21990120 (cited by Labcorp Genetics (formerly Invitae), Labcorp); PubMed 24800917 (cited by Labcorp Genetics (formerly Invitae), Labcorp).

NM_058216.3(RAD51C):c.615_618del (p.Ser206fs)

Genes: RAD51C (RAD51 paralog C; plus strand), LOC129390903 (MPRA-validated peak2919 silencer; plus strand). Cytogenetic location: 17q22.
Variant type: Microsatellite.
Coding change: c.615_618del on transcript NM_058216.3 (MANE Select); coding-DNA positions 615 to 618, 4 bases deleted (TTCT; older notation c.615_618delTTCT).
Protein change: p.Ser206fs; shifts the reading frame from serine 206.
Molecular consequence: frameshift variant. On other transcripts: non-coding transcript variant (1).
Genome position (GRCh38, 1-based): chr17:58,703,239-58,703,242, TTCT deleted; deleting any 4 consecutive bases within chr17:58,703,235-58,703,242 gives the same sequence; the c. name uses the placement nearest the transcript's 3' end. VCF-style (leftmost placement, unchanged base first): chr17-58703234-ATTCT-A. GRCh37 (hg19) VCF-style: chr17-56780595-ATTCT-A.
Other names: c.*39_*42TTCT[1] (NM_058217.1); short protein forms S206fs.
Identifiers: ClinVar variation 2021697 (VCV002021697.5), dbSNP rs2509299416, ClinGen allele CA2580613171.